The following is an entry in ClinVar:

ClinVar aggregate classification (germline): Uncertain significance. Review status: criteria provided, multiple submitters, no conflicts (2 of 4 stars). 2 submissions from 2 submitters: Uncertain significance (2). Last evaluated 2023-01-01.

Conditions:
Spastic paraplegia. Identifiers: MedGen C0037772, HP:0001258.

Allele frequency attached by ClinVar (database versions not stated): ExAC 0.00003; gnomAD exomes 0.00003; TOPMed 0.00004; gnomAD 0.00006 and 0.00007; 1000 Genomes Project 0.00020; 1000 Genomes Project 30x 0.00031.
gnomAD v4.1: 54 of 1,613,778 alleles (0.0033%); highest among the groups gnomAD compares: Middle Eastern, 0.016%; no homozygotes.

Submissions (2):

CeGaT Center for Human Genetics Tuebingen
Classification: Uncertain significance. Last evaluated: 2023-01-01. Review status: criteria provided, single submitter. Criteria: CeGaT Center For Human Genetics Tuebingen Variant Classification Criteria Version 2. Collection method: clinical testing. Allele origin: germline. Affected: yes. Observed: 1 variant allele.

Labcorp Genetics (formerly Invitae), Labcorp
Classification: Uncertain significance for Spastic paraplegia. Last evaluated: 2022-04-15. Review status: criteria provided, single submitter. Criteria: Invitae Variant Classification Sherloc (09022015). Collection method: clinical testing. Allele origin: germline.
Comment: ClinVar contains an entry for this variant (Variation ID: 570689). In summary, the available evidence is currently insufficient to determine the role of this variant in disease. Therefore, it has been classified as a Variant of Uncertain Significance. Algorithms developed to predict the effect of missense changes on protein structure and function (SIFT, PolyPhen-2, Align-GVGD) all suggest that this variant is likely to be disruptive. This variant has not been reported in the literature in individuals affected with ZFYVE27-related conditions. This variant is present in population databases (rs575306476, gnomAD 0.005%). This sequence change replaces tyrosine, which is neutral and polar, with cysteine, which is neutral and slightly polar, at codon 186 of the ZFYVE27 protein (p.Tyr186Cys).

NM_001385875.1(ZFYVE27):c.557A>G (p.Tyr186Cys)

Gene: ZFYVE27 (zinc finger FYVE-type containing 27; plus strand). Cytogenetic location: 10q24.2.
Variant type: single nucleotide variant.
Coding change: c.557A>G on transcript NM_001385875.1 (MANE Select); coding-DNA position 557, A replaced by G.
Protein change: p.Tyr186Cys; replaces tyrosine 186 with cysteine.
Molecular consequence: missense variant. On other transcripts: non-coding transcript variant (15), intron variant (1).
Genome position (GRCh38, 1-based): chr10:97,749,479, A>G. VCF-style: chr10-97749479-A-G. GRCh37 (hg19) VCF-style: chr10-99509236-A-G.
Other names: c.557A>G, p.Tyr186Cys (NM_001002261.4, NM_001002262.4, NM_001385871.1 and 8 more transcripts); c.461A>G, p.Tyr154Cys (NM_001174119.2, NM_001385885.1, NM_001385886.1 and 3 more transcripts); c.299A>G, p.Tyr100Cys (NM_001174120.2, NM_001385901.1, NM_001385902.1 and 3 more transcripts); c.263A>G, p.Tyr88Cys (NM_001174121.2, NM_001385915.1); c.203A>G, p.Tyr68Cys (NM_001174122.2, NM_001385918.1); c.596A>G, p.Tyr199Cys (NM_001385876.1); c.353A>G, p.Tyr118Cys (NM_001385890.1, NM_001385891.1, NM_001385892.1 and 6 more transcripts); c.224A>G, p.Tyr75Cys (NM_001385916.1); and 3 more; short protein forms Y186C, Y88C, Y100C, Y154C, Y68C, Y107C, Y118C, Y174C.
Identifiers: ClinVar variation 570689 (VCV000570689.35), dbSNP rs575306476, ClinGen allele CA5635230.
Genomic context (GRCh38, chr10:97,749,479, plus strand): 5'-CGTCTCCTTCTGCTGTTACGAATTTCTGATCTTGTGGTTCTTCCCTGTCATCCAGGTTCT[A>G]TGGGGCTCTTCTGGGCACAGTCTGCATGCTGTATTTGCTGCCACTCTGCTGGGTTCTCAC-3'
Protein context (NP_001372804.1, residues 176-196): WENPVVSSQF[Tyr186Cys]GALLGTVCML